The following is an entry in ClinVar:

NM_024656.4(COLGALT1):c.1622T>A (p.Phe541Tyr)

Gene: COLGALT1 (collagen beta(1-O)galactosyltransferase 1; plus strand). Cytogenetic location: 19p13.11.
Variant type: single nucleotide variant.
Coding change: c.1622T>A on transcript NM_024656.4 (MANE Select); coding-DNA position 1622, T replaced by A.
Protein change: p.Phe541Tyr; replaces phenylalanine 541 with tyrosine.
Molecular consequence: missense variant.
Genome position (GRCh38, 1-based): chr19:17,581,197, T>A. VCF-style: chr19-17581197-T-A. GRCh37 (hg19) VCF-style: chr19-17692006-T-A.
Other names: short protein forms F541Y.
Identifiers: ClinVar variation 1985896 (VCV001985896.3), dbSNP rs758823019, ClinGen allele CA9297390.
Genomic context (GRCh38, chr19:17,581,197, plus strand): 5'-AAGCCATTGCTGCCCCTCACTCCCCTCCTCCTCCCCCCAGGTCCGAGTACAAGGCCCACT[T>A]CTCCCTCCGCAACCTGCATGCCTTCTCTGTGGAGCCGCTGCTCATCTACCCCACACACTA-3'
Protein context (NP_078932.2, residues 531-551): KHPVSEYKAH[Phe541Tyr]SLRNLHAFSV

ClinVar aggregate classification (germline): Uncertain significance (1 of 4 stars; one submission).

Allele frequency attached by ClinVar (database versions not stated): gnomAD exomes 0.00001; ExAC 0.00003; gnomAD 0.00008; TOPMed 0.00012.
gnomAD v4.1: 31 of 1,605,078 alleles (0.0019%); highest among the groups gnomAD compares: African/African-American, 0.035%; no homozygotes.

Submission:

Labcorp Genetics (formerly Invitae), Labcorp
Classification: Uncertain significance. Last evaluated: 2025-06-20. Review status: criteria provided, single submitter. Criteria: Invitae Variant Classification Sherloc (09022015). Collection method: clinical testing. Allele origin: germline.
Comment: This sequence change replaces phenylalanine, which is neutral and non-polar, with tyrosine, which is neutral and polar, at codon 541 of the COLGALT1 protein (p.Phe541Tyr). This variant is present in population databases (rs758823019, gnomAD 0.04%). This variant has not been reported in the literature in individuals affected with COLGALT1-related conditions. ClinVar contains an entry for this variant (Variation ID: 1985896). Invitae Evidence Modeling of protein sequence and biophysical properties (such as structural, functional, and spatial information, amino acid conservation, physicochemical variation, residue mobility, and thermodynamic stability) indicates that this missense variant is not expected to disrupt COLGALT1 protein function with a negative predictive value of 80%. In summary, the available evidence is currently insufficient to determine the role of this variant in disease. Therefore, it has been classified as a Variant of Uncertain Significance.